The following continues an entry in ClinVar:

NM_007294.4(BRCA1):c.3770_3771del (p.Glu1257fs)

ClinVar aggregate classification (germline): Pathogenic. Pathogenic (1).

Submissions 23 to 43 of 43:

Consortium of Investigators of Modifiers of BRCA1/2 (CIMBA), c/o University of Cambridge
Classification: Pathogenic for Breast-ovarian cancer, familial, susceptibility to, 1. Last evaluated: 2015-10-02. Review status: criteria provided, single submitter. Criteria: CIMBA Mutation Classification guidelines May 2016. Collection method: clinical testing. Allele origin: germline. Not counted in ClinVar's aggregate classification.

Clinical Genetics DNA and cytogenetics Diagnostics Lab, Erasmus MC, Erasmus Medical Center
Classification: Pathogenic for Breast-ovarian cancer, familial, susceptibility to, 1. Last evaluated: 2015-09-21. Review status: criteria provided, single submitter. Criteria: ACGS Guidelines, 2013. Collection method: clinical testing. Allele origin: germline. Affected: yes. Study: VKGL Data-share Consensus. Not counted in ClinVar's aggregate classification.

Department of Medical Genetics, Oslo University Hospital
Classification: Pathogenic for Breast-ovarian cancer, familial, susceptibility to, 1. Last evaluated: 2015-07-01. Review status: criteria provided, single submitter. Criteria: ACMG Guidelines, 2015. Collection method: clinical testing. Allele origin: germline. Affected: yes. Observed: 3 variant alleles. Not counted in ClinVar's aggregate classification.

Clinical Genetics and Genomics, Karolinska University Hospital
Classification: Pathogenic. Last evaluated: 2014-11-27. Review status: criteria provided, single submitter. Criteria: ACMG Guidelines, 2015. Collection method: clinical testing. Allele origin: germline. Affected: yes. Observed: 1 variant allele. Not counted in ClinVar's aggregate classification.

Arcensus
Classification: Pathogenic for Breast-ovarian cancer, familial, susceptibility to, 1. Last evaluated: 2013-02-01. Review status: criteria provided, single submitter. Criteria: ACMG Guidelines, 2015. Collection method: clinical testing. Allele origin: germline. Affected: yes. Not counted in ClinVar's aggregate classification.

Genesis Genomics
Classification: Pathogenic for Breast-ovarian cancer, familial, susceptibility to, 1. Review status: criteria provided, single submitter. Criteria: ACMG Guidelines, 2015. Collection method: clinical testing. Allele origin: germline. Affected: yes. Observed: 1 variant allele. Not counted in ClinVar's aggregate classification.

Juno Genomics, Hangzhou Juno Genomics, Inc
Classification: Pathogenic for Breast-ovarian cancer, familial, susceptibility to, 1. Review status: criteria provided, single submitter. Criteria: ACMG Guidelines, 2015. Collection method: clinical testing. Allele origin: germline. Not counted in ClinVar's aggregate classification.
Comment: Absent from controls (or at extremely low frequency if recessive) in Genome Aggregation Database.;Null variant in a gene where loss of function (LOF) is a known mechanism of disease.;Novel missense change at an amino acid residue where a different missense change determined to be pathogenic has been seen before.

PreventionGenetics, part of Exact Sciences
Classification: Pathogenic for BRCA1-related condition. Last evaluated: 2024-08-26. Review status: no assertion criteria provided. Collection method: clinical testing. Allele origin: germline. Not counted in ClinVar's aggregate classification.
Comment: The BRCA1 c.3770_3771delAG variant is predicted to result in a frameshift and premature protein termination (p.Glu1257Glyfs*9). This variant has been reported in patients with early onset and familial breast and ovarian cancer (de Juan Jiménez et al. 2013. PubMed ID: 23479189; Gabaldó Barrios. 2017. PubMed ID: 28477318). This variant is reported in 0.0033% of alleles in individuals of South Asian descent in gnomAD and is reported in the ClinVar database as pathogenic. Frameshift variants in BRCA1 are expected to be pathogenic. We interpret this variant as pathogenic.

Medical Genetics Laboratory, Umraniye Training and Research Hospital, University of Health Sciences
Classification: Pathogenic for Breast carcinoma. Last evaluated: 2021-08-09. Review status: no assertion criteria provided. Collection method: clinical testing. Allele origin: germline. Affected: yes. Observed: 1 variant allele, 1 heterozygote. Not counted in ClinVar's aggregate classification.

Molecular Oncology, Hospital Universitario Central de Asturias (HUCA)
Classification: Pathogenic for Breast-ovarian cancer, familial, susceptibility to, 1. Last evaluated: 2021-05-24. Review status: no assertion criteria provided. Collection method: case-control. Allele origin: germline. Affected: yes. Not counted in ClinVar's aggregate classification.

Cancer Genomics Lab, PINUM Cancer Hospital
Classification: Pathogenic for Hereditary breast ovarian cancer syndrome. Last evaluated: 2021-05-03. Review status: no assertion criteria provided. Collection method: clinical testing. Allele origin: germline. Affected: yes. Not counted in ClinVar's aggregate classification.
Comment: Breast Cancer <45 y; F/H Stomach and Thyroid Cancer

CZECANCA consortium
Classification: Pathogenic for Carcinoma of pancreas. Last evaluated: 2021-03-04. Review status: no assertion criteria provided. Collection method: clinical testing. Allele origin: germline. Affected: yes. Observed: 1 variant allele. Not counted in ClinVar's aggregate classification.

BRCAlab, Lund University
Classification: Pathogenic for Breast-ovarian cancer, familial, susceptibility to, 1. Last evaluated: 2020-03-02. Review status: no assertion criteria provided. Collection method: clinical testing. Allele origin: germline. Affected: yes. Not counted in ClinVar's aggregate classification.

German Consortium for Hereditary Breast and Ovarian Cancer, University Hospital Cologne
Classification: Pathogenic for Ovarian neoplasm. Last evaluated: 2018-12-01. Review status: no assertion criteria provided. Collection method: research. Allele origin: germline. Affected: yes. Not counted in ClinVar's aggregate classification.

Counsyl
Classification: Pathogenic for Breast-ovarian cancer, familial, susceptibility to, 1. Last evaluated: 2016-01-19. Review status: no assertion criteria provided. Collection method: clinical testing. Allele origin: unknown. Not counted in ClinVar's aggregate classification.

Research Molecular Genetics Laboratory, Women's College Hospital, University of Toronto
Classification: Pathogenic for Hereditary breast ovarian cancer syndrome. Last evaluated: 2014-01-31. Review status: no assertion criteria provided. Collection method: research. Allele origin: germline. Affected: yes. Study: The Canadian Open Genetics Repository (COGR). Not counted in ClinVar's aggregate classification.

Sharing Clinical Reports Project (SCRP)
Classification: Pathogenic for Breast-ovarian cancer, familial 1. Last evaluated: 2012-03-23. Review status: no assertion criteria provided. Collection method: clinical testing. Allele origin: germline. Not counted in ClinVar's aggregate classification.

Breast Cancer Information Core (BIC) (BRCA1)
Classification: Pathogenic for Breast-ovarian cancer, familial 1. Last evaluated: 2002-05-29. Review status: no assertion criteria provided. Collection method: clinical testing. Allele origin: germline, unknown. Affected: yes. Observed: 23 variant alleles. Not counted in ClinVar's aggregate classification.

OMIM
Classification: Pathogenic for BREAST-OVARIAN CANCER, FAMILIAL, SUSCEPTIBILITY TO, 1. Last evaluated: 1999-08-01. Review status: no assertion criteria provided. Collection method: literature only. Allele origin: germline. Not counted in ClinVar's aggregate classification.

Department of Pathology and Laboratory Medicine, Sinai Health System
Classification: Pathogenic. Review status: no assertion criteria provided. Collection method: clinical testing. Allele origin: unknown. Affected: yes. Observed: 1 variant allele. Study: The Canadian Open Genetics Repository (COGR). Not counted in ClinVar's aggregate classification.
Comment: The BRCA1 p.Glu1257Glyfs*9 variant was identified in 27 of 18350 proband chromosomes (frequency: 0.0015) from individuals or families with breast or ovarian cancer (Blay 2013, Chen 2009, Cock-Rada 2018, de Juan Jimenez 2013, Heramb 2018, Hirotsu 2014, Konecny 2007, Thirthagiri 2008, van der Hout 2006). The variant was also identified in the following databases: dbSNP (ID: rs80357993) as "With Pathogenic allele", ClinVar (classified as pathogenic by Invitae, Ambry Genetics, GeneDx and fourteen other submitters), COGR, LOVD 3.0 (28x), UMD-LSDB (25x causal), BIC Database (23x with clinical importance), ARUP Laboratories (definitely pathogenic), and in Zhejiang University database (2x). The variant was not identified in Cosmic or MutDB databases. The variant was not identified in the following control databases: the Exome Aggregation Consortium (August 8th 2016), or the Genome Aggregation Database (Feb 27, 2017). The c.3770_3771del variant is predicted to cause a frameshift, which alters the protein's amino acid sequence beginning at codon 1257 and leads to a premature stop codon at position 1265. This alteration is then predicted to result in a truncated or absent protein and loss of function. Loss of function variants of the BRCA1 gene are an established mechanism of disease in breast and ovarian cancer and is the type of variant expected to cause the disorder. In summary, based on the above information this variant meets our laboratoryâ€šÃ„Ã´s criteria to be classified as pathogenic.

Diagnostic Laboratory, Department of Genetics, University Medical Center Groningen
Classification: Pathogenic for Breast-ovarian cancer, familial, susceptibility to, 1. Review status: no assertion criteria provided. Collection method: clinical testing. Allele origin: germline. Affected: yes. Study: VKGL Data-share Consensus. Not counted in ClinVar's aggregate classification.

Literature cited by the submitters: PubMed 20104584 (cited by 3 submitters); PubMed 16683254 (cited by Labcorp Genetics (formerly Invitae), Labcorp and Counsyl); PubMed 17319787 (cited by Labcorp Genetics (formerly Invitae), Labcorp); PubMed 18627636 (cited by 5 submitters); PubMed 23479189 (cited by 5 submitters); PubMed 23683081 (cited by 4 submitters); PubMed 33842585 (cited by 4 submitters); PubMed 12181777 (cited by Ambry Genetics); PubMed 27553291 (cited by 4 submitters); PubMed 28176296 (cited by 4 submitters); PubMed 28528518 (cited by 4 submitters); PubMed 28993434 (cited by Ambry Genetics and Quest Diagnostics Nichols Institute San Juan Capistrano); PubMed 29339979 (cited by 4 submitters); PubMed 29752822 (cited by Ambry Genetics); PubMed 30350268 (cited by Ambry Genetics and Quest Diagnostics Nichols Institute San Juan Capistrano); PubMed 30720863 (cited by Ambry Genetics and Quest Diagnostics Nichols Institute San Juan Capistrano); PubMed 31528241 (cited by Ambry Genetics and Quest Diagnostics Nichols Institute San Juan Capistrano); PubMed 31742824 (cited by Ambry Genetics); PubMed 31815095 (cited by 4 submitters); PubMed 31957001 (cited by Ambry Genetics and Quest Diagnostics Nichols Institute San Juan Capistrano); PubMed 32318955 (cited by Ambry Genetics and Quest Diagnostics Nichols Institute San Juan Capistrano); PubMed 32885271 (cited by Ambry Genetics); PubMed 33471991 (cited by 3 submitters); PubMed 8807330 (cited by Ambry Genetics); PubMed 26026974 (cited by All of Us Research Program, National Institutes of Health and Color Diagnostics, LLC DBA Color Health); PubMed 26757417 (cited by All of Us Research Program, National Institutes of Health and Color Diagnostics, LLC DBA Color Health); PubMed 26824983 (cited by All of Us Research Program, National Institutes of Health and Color Diagnostics, LLC DBA Color Health); PubMed 16267036 (cited by Women's Health and Genetics/Laboratory Corporation of America, LabCorp); PubMed 7606717 (cited by Women's Health and Genetics/Laboratory Corporation of America, LabCorp and Quest Diagnostics Nichols Institute San Juan Capistrano); PubMed 23317271 (cited by Women's Health and Genetics/Laboratory Corporation of America, LabCorp); PubMed 28724667 (cited by Women's Health and Genetics/Laboratory Corporation of America, LabCorp and Quest Diagnostics Nichols Institute San Juan Capistrano); PubMed 36329109 (cited by Genetics Program, Instituto Nacional de Cancer); PubMed 30720243 (cited by Quest Diagnostics Nichols Institute San Juan Capistrano); PubMed 27062684 (cited by Quest Diagnostics Nichols Institute San Juan Capistrano); PubMed 30972954 (cited by Quest Diagnostics Nichols Institute San Juan Capistrano); PubMed 28477318 (cited by Quest Diagnostics Nichols Institute San Juan Capistrano); PubMed 30078507 (cited by Quest Diagnostics Nichols Institute San Juan Capistrano); PubMed 29907814 (cited by Quest Diagnostics Nichols Institute San Juan Capistrano); PubMed 27836010 (cited by Quest Diagnostics Nichols Institute San Juan Capistrano); PubMed 29470806 (cited by Quest Diagnostics Nichols Institute San Juan Capistrano); PubMed 31447099 (cited by Quest Diagnostics Nichols Institute San Juan Capistrano); PubMed 26295337 (cited by Quest Diagnostics Nichols Institute San Juan Capistrano); PubMed 15145354 (cited by 3DMed Clinical Laboratory Inc); PubMed 38922859 (cited by Molecular Oncology, Hospital Universitario Central de Asturias (HUCA)); PubMed 10417300 (cited by OMIM).